The following is an entry in ClinVar:

ClinVar aggregate classification (germline): Conflicting classifications of pathogenicity. Review status: criteria provided, conflicting classifications (1 of 4 stars). 2 submissions from 2 submitters: Uncertain significance (1); Likely benign (1). Last evaluated 2025-11-29.

Conditions:
Joubert syndrome 33. Identifiers: MedGen C4540389, MONDO:0033311, OMIM 617767.

Allele frequency attached by ClinVar (database versions not stated): gnomAD 0.00172 and 0.00161; gnomAD exomes 0.00272 and 0.00137; 1000 Genomes Project 0.00040; ExAC 0.00138; TOPMed 0.00174; ESP Exome Variant Server 0.00215; 1000 Genomes Project 30x 0.00047.
gnomAD v4.1: 4,213 of 1,613,074 alleles (0.26%); highest among the groups gnomAD compares: Non-Finnish European, 0.33%; 11 homozygotes.

Submissions (2):

Labcorp Genetics (formerly Invitae), Labcorp
Classification: Likely benign. Last evaluated: 2025-11-29. Review status: criteria provided, single submitter. Criteria: Invitae Variant Classification Sherloc (09022015). Collection method: clinical testing. Allele origin: germline.

Baylor Genetics
Classification: Uncertain significance for Joubert syndrome 33. Last evaluated: 2018-04-10. Review status: criteria provided, single submitter. Criteria: ACMG Guidelines, 2015. Collection method: clinical testing. Allele origin: unknown. Affected: yes.
Comment: This variant was determined to be of uncertain significance according to ACMG Guidelines, 2015 [PMID:25741868].

NM_006346.4(PIBF1):c.1793T>G (p.Leu598Arg)

Gene: PIBF1 (progesterone immunomodulatory binding factor 1; plus strand). Cytogenetic location: 13q22.1.
Variant type: single nucleotide variant.
Coding change: c.1793T>G on transcript NM_006346.4 (MANE Select); coding-DNA position 1793, T replaced by G.
Protein change: p.Leu598Arg; replaces leucine 598 with arginine.
Molecular consequence: missense variant. On other transcripts: non-coding transcript variant (2).
Genome position (GRCh38, 1-based): chr13:72,931,227, T>G. VCF-style: chr13-72931227-T-G. GRCh37 (hg19) VCF-style: chr13-73505365-T-G.
Other names: c.1880T>G, p.Leu627Arg (NM_001349655.2); short protein forms L598R, L627R.
Identifiers: ClinVar variation 770994 (VCV000770994.10), dbSNP rs143644781, ClinGen allele CA7002398.